The following is an entry in ClinVar:

NM_005859.5(PURA):c.98dup (p.Gly34fs)

Gene: PURA (purine rich element binding protein A; plus strand). Cytogenetic location: 5q31.3.
Variant type: Duplication.
Coding change: c.98dup on transcript NM_005859.5 (MANE Select); coding-DNA position 98, one base duplicated (G; older notation c.98dupG).
Protein change: p.Gly34fs; shifts the reading frame from glycine 34.
Molecular consequence: frameshift variant.
Genome position (GRCh38, 1-based): chr5:140,114,279, G duplicated; the last of 5 consecutive G bases (chr5:140,114,275-140,114,279); duplicating any one gives the same sequence. VCF-style (leftmost placement, unchanged base first): chr5-140114274-C-CG. GRCh37 (hg19) VCF-style: chr5-139493859-C-CG.
Other names: c.98_99insG (NM_005859.5); short protein forms G34fs.
Identifiers: ClinVar variation 1706638 (VCV001706638.2), dbSNP rs1581036073, ClinGen allele CA2580072958.

ClinVar aggregate classification (germline): Pathogenic. Review status: criteria provided, multiple submitters, no conflicts (2 of 4 stars). 2 submissions from 2 submitters: Pathogenic (2). Last evaluated 2026-06-02.

Conditions:
PURA-related severe neonatal hypotonia-seizures-encephalopathy syndrome (NEDRIHF). Also called: NEURODEVELOPMENTAL DISORDER WITH NEONATAL RESPIRATORY INSUFFICIENCY, HYPOTONIA, AND FEEDING DIFFICULTIES; PURA-Related Neurodevelopmental Disorders. Identifiers: Orphanet 438213, Orphanet 438216, MedGen C4015357, MONDO:1060108, OMIM 616158, MONDO:0018580.

Submissions (2):

Gansu Provincial Maternity and Child Care Hospital
Classification: Pathogenic for PURA-related severe neonatal hypotonia-seizures-encephalopathy syndrome. Last evaluated: 2026-06-02. Review status: criteria provided, single submitter. Criteria: ACMG Guidelines, 2015. Collection method: clinical testing. Allele origin: de novo. Inheritance: Autosomal dominant inheritance. Affected: yes.
Comment: The c.98_99insG variant is a frameshift variant that leads to premature termination of translation (PVS1). Parental verification confirmed it as a de novo variant (PS2). This site is not recorded in the gnomAD database (PM2_supporting).This variant is classified as pathogenic.

Equipe Genetique des Anomalies du Developpement, Université de Bourgogne
Classification: Pathogenic for PURA-related severe neonatal hypotonia-seizures-encephalopathy syndrome. Review status: criteria provided, single submitter. Criteria: ACMG Guidelines, 2015. Collection method: clinical testing. Allele origin: de novo. Affected: yes.